The following is an entry in ClinVar:

ClinVar aggregate classification (germline): Uncertain significance (1 of 4 stars; one submission).

Conditions:
Hereditary cancer-predisposing syndrome. Also called: Neoplastic Syndromes, Hereditary; Tumor predisposition; Hereditary Cancer Syndrome; Hereditary neoplastic syndrome. Identifiers: Orphanet 140162, MedGen C0027672, MeSH D009386, MONDO:0015356.

Submission:

Ambry Genetics
Classification: Uncertain significance for Hereditary cancer-predisposing syndrome. Last evaluated: 2019-11-27. Review status: criteria provided, single submitter. Criteria: Ambry Variant Classification Scheme 2023. Collection method: clinical testing. Allele origin: germline.
Comment: The c.1237_1239dupAAA variant (also known as p.K413dup), located in coding exon 11 of the PMS2 gene, results from an in-frame duplication of AAA at nucleotide positions 1237 to 1239. This results in the duplication of an extra lysine residue between codons 413 and 414. This amino acid position is not well conserved in available vertebrate species. In addition, this alteration is predicted to be neutral by in silico analysis (Choi Y et al. PLoS ONE. 2012; 7(10):e46688). Since supporting evidence is limited at this time, the clinical significance of this alteration remains unclear.

NM_000535.7(PMS2):c.1237_1239dup (p.Lys413_Asp414insLys)

Gene: PMS2 (PMS1 homolog 2, mismatch repair system component; minus strand). Cytogenetic location: 7p22.1.
Variant type: Duplication.
Coding change: c.1237_1239dup on transcript NM_000535.7 (MANE Select); coding-DNA positions 1237 to 1239, 3 bases duplicated (AAA; older notation c.1237_1239dupAAA).
Protein change: p.Lys413_Asp414insLys.
Molecular consequence: inframe insertion. On other transcripts: inframe indel (47), non-coding transcript variant (1).
Genome position (GRCh38, 1-based): chr7:5,987,526-5,987,528, TTT duplicated on the plus strand (AAA on the coding strand, the reverse complement: PMS2 is on the minus strand); duplicating any 3 consecutive bases within chr7:5,987,526-5,987,533 gives the same sequence; the c. name uses the placement nearest the transcript's 3' end. VCF-style (leftmost placement, unchanged base first): chr7-5987525-C-CTTT. GRCh37 (hg19) VCF-style: chr7-6027156-C-CTTT.
Other names: c.1237_1239dupAAA (NM_000535.5); c.827_829dup, p.Lys278_Asp279insLys (NM_001018040.1, NM_001406887.1, NM_001406888.1 and 13 more transcripts); c.832_834dup, p.Lys278_Asp279insLys (NM_001322003.2, NM_001322004.2, NM_001322005.2 and 1 more transcripts); c.1081_1083dup, p.Lys361_Asp362insLys (NM_001322006.2); c.919_921dup, p.Lys307_Asp308insLys (NM_001322007.2, NM_001322008.2); c.676_678dup, p.Lys226_Asp227insLys (NM_001322010.2); c.304_306dup, p.Lys102_Asp103insLys (NM_001322011.2, NM_001322012.2); c.664_666dup, p.Lys222_Asp223insLys (NM_001322013.2); and 20 more.
Identifiers: ClinVar variation 1757064 (VCV001757064.2), dbSNP rs267608159, ClinGen allele CA4150118.